The following is an entry in ClinVar:

NM_001348800.3(ZBTB20):c.1003_1008dup (p.Asp336_Tyr337insAspAsp)

Gene: ZBTB20 (zinc finger and BTB domain containing 20; minus strand). Cytogenetic location: 3q13.31.
Variant type: Duplication.
Coding change: c.1003_1008dup on transcript NM_001348800.3 (MANE Select); coding-DNA positions 1003 to 1008, 6 bases duplicated (GACGAT; older notation c.1003_1008dupGACGAT).
Protein change: p.Asp336_Tyr337insAspAsp.
Molecular consequence: inframe insertion.
Genome position (GRCh38, 1-based): chr3:114,351,070-114,351,075, ATCGTC duplicated on the plus strand (GACGAT on the coding strand, the reverse complement: ZBTB20 is on the minus strand). VCF-style (leftmost placement, unchanged base first): chr3-114351069-A-AATCGTC. GRCh37 (hg19) VCF-style: chr3-114069916-A-AATCGTC.
Other names: c.1003_1008dup, p.Asp336_Tyr337insAspAsp (NM_001164342.2, NM_001348803.3, NM_001393393.1 and 1 more transcripts); c.784_789dup, p.Asp263_Tyr264insAspAsp (NM_001164343.2, NM_001164344.4, NM_001164345.4 and 9 more transcripts).
Identifiers: ClinVar variation 4534690 (VCV004534690.6).
Genomic context (GRCh38, chr3:114,351,069, plus strand): 5'-TGCACTCCTCGGATTCGTTGCGTTCCAGGATCTGCACCCTTTGCTGCCCGTAGTAGTCGT[A>AATCGTC]ATCGTCCTCCATCTCCTGCTTGATGTGGATGTTGCCCACTAGGGTCTGGATGCGCACAGG-3'

ClinVar aggregate classification (germline): Uncertain significance (1 of 4 stars; one submission).

Submission:

CeGaT Center for Human Genetics Tuebingen
Classification: Uncertain significance. Last evaluated: 2025-11-01. Review status: criteria provided, single submitter. Criteria: CeGaT Center For Human Genetics Tuebingen Variant Classification Criteria Version 2. Collection method: clinical testing. Allele origin: germline. Affected: yes. Observed: 1 variant allele.
Comment: ZBTB20: PM4